The following is an entry in ClinVar:

ClinVar aggregate classification (germline): Uncertain significance. Review status: criteria provided, multiple submitters, no conflicts (2 of 4 stars). 2 submissions from 2 submitters: Uncertain significance (2). Last evaluated 2024-08-12.

Conditions:
Inborn genetic diseases. Identifiers: MedGen C0950123, MeSH D030342.

Allele frequency attached by ClinVar (database versions not stated): TOPMed 0.00002; gnomAD exomes 0.00003 and 0.00005; gnomAD 0.00004; ExAC 0.00006; ESP Exome Variant Server 0.00015.
gnomAD v4.1: 51 of 1,613,978 alleles (0.0032%); highest among the groups gnomAD compares: South Asian, 0.043%; 1 homozygote.

Submissions (2):

Labcorp Genetics (formerly Invitae), Labcorp
Classification: Uncertain significance. Last evaluated: 2024-08-12. Review status: criteria provided, single submitter. Criteria: Invitae Variant Classification Sherloc (09022015). Collection method: clinical testing. Allele origin: germline.
Comment: This sequence change replaces asparagine, which is neutral and polar, with serine, which is neutral and polar, at codon 207 of the TIMM50 protein (p.Asn207Ser). This variant is present in population databases (rs112098673, gnomAD 0.03%). This variant has not been reported in the literature in individuals affected with TIMM50-related conditions. ClinVar contains an entry for this variant (Variation ID: 1483511). An algorithm developed to predict the effect of missense changes on protein structure and function outputs the following: PolyPhen-2: "Benign". The serine amino acid residue is found in multiple mammalian species, which suggests that this missense change does not adversely affect protein function. In summary, the available evidence is currently insufficient to determine the role of this variant in disease. Therefore, it has been classified as a Variant of Uncertain Significance.

Ambry Genetics
Classification: Uncertain significance for Inborn genetic diseases. Last evaluated: 2022-09-26. Review status: criteria provided, single submitter. Criteria: Ambry Variant Classification Scheme 2023. Collection method: clinical testing. Allele origin: germline.

NM_001001563.5(TIMM50):c.311A>G (p.Asn104Ser)

Gene: TIMM50 (translocase of inner mitochondrial membrane 50; plus strand). Cytogenetic location: 19q13.2.
Variant type: single nucleotide variant.
Coding change: c.311A>G on transcript NM_001001563.5 (MANE Select); coding-DNA position 311, A replaced by G.
Protein change: p.Asn104Ser; replaces asparagine 104 with serine.
Molecular consequence: missense variant.
Genome position (GRCh38, 1-based): chr19:39,483,154, A>G. VCF-style: chr19-39483154-A-G. GRCh37 (hg19) VCF-style: chr19-39973794-A-G.
Other names: c.31A>G, p.Met11Val (NM_001329559.2); c.620A>G (NM_001001563.1); short protein forms M11V, N104S.
Identifiers: ClinVar variation 1483511 (VCV001483511.7), dbSNP rs112098673, ClinGen allele CA9431761.